The following is an entry in ClinVar:

NM_020812.4(DOCK6):c.880G>C (p.Glu294Gln)

Gene: DOCK6 (dedicator of cytokinesis 6; minus strand). Cytogenetic location: 19p13.2.
Variant type: single nucleotide variant.
Coding change: c.880G>C on transcript NM_020812.4 (MANE Select); coding-DNA position 880, G replaced by C.
Protein change: p.Glu294Gln; replaces glutamic acid 294 with glutamine.
Molecular consequence: missense variant.
Genome position (GRCh38, 1-based): chr19:11,245,706, C>G on the plus strand (G>C on the coding strand, the complement: DOCK6 is on the minus strand). VCF-style: chr19-11245706-C-G. GRCh37 (hg19) VCF-style: chr19-11356382-C-G.
Other names: c.880G>C, p.Glu294Gln (NM_001367830.1); short protein forms E294Q.
Identifiers: ClinVar variation 1523993 (VCV001523993.6), dbSNP rs1026842776, ClinGen allele CA305344769.

ClinVar aggregate classification (germline): Uncertain significance (1 of 4 stars; one submission).

Allele frequency attached by ClinVar (database versions not stated): TOPMed 0.00001; gnomAD exomes 0.00001; gnomAD 0.00001.
gnomAD v4.1: 17 of 1,603,996 alleles (0.0011%); highest among the groups gnomAD compares: Non-Finnish European, 0.0014%; no homozygotes.

Submission:

Labcorp Genetics (formerly Invitae), Labcorp
Classification: Uncertain significance. Last evaluated: 2023-07-07. Review status: criteria provided, single submitter. Criteria: Invitae Variant Classification Sherloc (09022015). Collection method: clinical testing. Allele origin: germline.
Comment: This sequence change replaces glutamic acid, which is acidic and polar, with glutamine, which is neutral and polar, at codon 294 of the DOCK6 protein (p.Glu294Gln). This variant is present in population databases (no rsID available, gnomAD 0.002%). This variant has not been reported in the literature in individuals affected with DOCK6-related conditions. ClinVar contains an entry for this variant (Variation ID: 1523993). Advanced modeling of protein sequence and biophysical properties (such as structural, functional, and spatial information, amino acid conservation, physicochemical variation, residue mobility, and thermodynamic stability) performed at Invitae indicates that this missense variant is expected to disrupt DOCK6 protein function. Algorithms developed to predict the effect of sequence changes on RNA splicing suggest that this variant may create or strengthen a splice site. In summary, the available evidence is currently insufficient to determine the role of this variant in disease. Therefore, it has been classified as a Variant of Uncertain Significance.